The following is an entry in ClinVar:

ClinVar aggregate classification (germline): Likely benign. Review status: criteria provided, multiple submitters, no conflicts (2 of 4 stars). 9 submissions from 9 submitters: Likely benign (9). Last evaluated 2025-12-31.

Conditions:
Familial thoracic aortic aneurysm and aortic dissection (TAAD). Also called: Thoracic aortic aneurysms and dissections. Identifiers: Orphanet 91387, MedGen C4707243, MONDO:0019625.
Ehlers-Danlos syndrome, type 4 (EDSVASC). Also called: Ehlers-Danlos Syndrome Type IV; Ehlers-Danlos syndrome vascular type; Ehlers Danlos syndrome, ecchymotic type; Ehlers Danlos syndrome, arterial type; Ehlers Danlos syndrome, Sack-Barabas type. Identifiers: Orphanet 286, MedGen C0268338, MONDO:0017314, OMIM 130050.

Allele frequency attached by ClinVar (database versions not stated): gnomAD 0.00003 and 0.00001; TOPMed 0.00003; ESP Exome Variant Server 0.00008.
gnomAD v4.1: 94 of 1,614,112 alleles (0.0058%); highest among the groups gnomAD compares: Middle Eastern, 0.066%; no homozygotes.

Submissions (9):

Labcorp Genetics (formerly Invitae), Labcorp
Classification: Likely benign for Ehlers-Danlos syndrome, type 4. Last evaluated: 2025-12-31. Review status: criteria provided, single submitter. Criteria: Invitae Variant Classification Sherloc (09022015). Collection method: clinical testing. Allele origin: germline.

Blueprint Genetics
Classification: Likely benign. Last evaluated: 2024-07-02. Review status: criteria provided, single submitter. Criteria: ACMG Guidelines, 2015. Collection method: clinical testing. Allele origin: germline.

All of Us Research Program, National Institutes of Health
Classification: Likely benign for Ehlers-Danlos syndrome, type 4. Last evaluated: 2024-02-05. Review status: criteria provided, single submitter. Criteria: ACMG Guidelines, 2015. Collection method: clinical testing. Allele origin: germline. Inheritance: Autosomal dominant inheritance. Observed: 9 variant alleles, 9 heterozygotes.
Comment: This study involves interpretation of variants in research participants for the purpose of population health screening. Participant phenotype was not available at the time of variant classification. Additional details can be found in publication PMID: 35346344, PMCID: PMC8962531

CHEO Genetics Diagnostic Laboratory, Children's Hospital of Eastern Ontario
Classification: Likely benign for Familial thoracic aortic aneurysm and aortic dissection. Last evaluated: 2023-06-07. Review status: criteria provided, single submitter. Criteria: ACMG Guidelines, 2015. Collection method: clinical testing. Allele origin: germline.

CeGaT Center for Human Genetics Tuebingen
Classification: Likely benign. Last evaluated: 2022-07-01. Review status: criteria provided, single submitter. Criteria: CeGaT Center For Human Genetics Tuebingen Variant Classification Criteria Version 2. Collection method: clinical testing. Allele origin: germline. Affected: yes. Observed: 1 variant allele.
Comment: COL3A1: BP4, BP7

ARUP Laboratories, Molecular Genetics and Genomics, ARUP Laboratories
Classification: Likely benign. Last evaluated: 2019-04-02. Review status: criteria provided, single submitter. Criteria: ARUP Molecular Germline Variant Investigation Process. Collection method: clinical testing. Allele origin: germline.

Color Diagnostics, LLC DBA Color Health
Classification: Likely benign for Familial thoracic aortic aneurysm and aortic dissection. Last evaluated: 2018-05-21. Review status: criteria provided, single submitter. Criteria: ACMG Guidelines, 2015. Collection method: clinical testing. Allele origin: germline.

Ambry Genetics
Classification: Likely benign for Familial thoracic aortic aneurysm and aortic dissection. Last evaluated: 2017-03-10. Review status: criteria provided, single submitter. Criteria: Ambry Variant Classification Scheme 2023. Collection method: clinical testing. Allele origin: germline.

GeneDx
Classification: Likely benign. Last evaluated: 2016-11-03. Review status: criteria provided, single submitter. Criteria: GeneDx Variant Classification (06012015). Collection method: clinical testing. Allele origin: germline. Affected: yes.
Comment: This variant is considered likely benign or benign based on one or more of the following criteria: it is a conservative change, it occurs at a poorly conserved position in the protein, it is predicted to be benign by multiple in silico algorithms, and/or has population frequency not consistent with disease.

NM_000090.4(COL3A1):c.3693C>A (p.Thr1231=)

Gene: COL3A1 (collagen type III alpha 1 chain; plus strand). Cytogenetic location: 2q32.2.
Variant type: single nucleotide variant.
Coding change: c.3693C>A on transcript NM_000090.4 (MANE Select); coding-DNA position 3693, C replaced by A.
Protein change: p.Thr1231=; no amino-acid change (threonine 1231 retained).
Molecular consequence: synonymous variant.
Genome position (GRCh38, 1-based): chr2:189,009,091, C>A. VCF-style: chr2-189009091-C-A. GRCh37 (hg19) VCF-style: chr2-189873817-C-A.
Identifiers: ClinVar variation 390515 (VCV000390515.47), dbSNP rs368556405, ClinGen allele CA076240.
Genomic context (GRCh38, chr2:189,009,091, plus strand): 5'-AAAAGCTGGCGGTTTTGCCCCGTATTATGGAGATGAACCAATGGATTTCAAAATCAACAC[C>A]GATGAGATTATGACTTCACTCAAGTCTGTTAATGGACAAATAGAAAGCCTCATTAGTCCT-3'
Protein context (NP_000081.2, residues 1221-1241): GDEPMDFKIN[Thr1231=]DEIMTSLKSV